The following is an entry in ClinVar:

NM_007294.4(BRCA1):c.2387dup (p.Glu797fs)

Gene: BRCA1 (BRCA1 DNA repair associated; minus strand). Cytogenetic location: 17q21.31.
Variant type: Duplication.
Coding change: c.2387dup on transcript NM_007294.4 (MANE Select); coding-DNA position 2387, one base duplicated (C; older notation c.2387dupC).
Protein change: p.Glu797fs; shifts the reading frame from glutamic acid 797.
Molecular consequence: frameshift variant. On other transcripts: intron variant (137).
Genome position (GRCh38, 1-based): chr17:43,093,144, G duplicated on the plus strand (C on the coding strand, the reverse complement: BRCA1 is on the minus strand). VCF-style (leftmost placement, unchanged base first): chr17-43093143-T-TG. GRCh37 (hg19) VCF-style: chr17-41245160-T-TG.
Other names: 2505insC; c.2243dup, p.Glu749fs (NM_001407838.1, NM_001407839.1, NM_001407841.1 and 20 more transcripts); c.2246dup, p.Glu750fs (NM_001407850.1, NM_001407851.1, NM_001407852.1 and 29 more transcripts); c.2174dup, p.Glu726fs (NM_001407853.1, NM_001407894.1, NM_001407895.1 and 9 more transcripts); c.2387dup, p.Glu797fs (NM_001407854.1, NM_001407858.1, NM_001407859.1 and 30 more transcripts); c.2384dup, p.Glu796fs (NM_001407860.1, NM_001407861.1, NM_001407587.1 and 22 more transcripts); c.2186dup, p.Glu730fs (NM_001407862.1); c.2264dup, p.Glu756fs (NM_001407863.1, NM_001407919.1, NM_001407937.1 and 19 more transcripts); and 42 more; short protein forms E750fs, E797fs, E727fs, E729fs, E629fs, E669fs, E670fs, E709fs.
Identifiers: ClinVar variation 266256 (VCV000266256.4), dbSNP rs886040031, ClinGen allele CA10589857.

ClinVar aggregate classification (germline): Pathogenic (3 of 4 stars; one submission).

Conditions:
Breast-ovarian cancer, familial, susceptibility to, 1 (BROVCA1). Also called: BRCA1 Hereditary Breast and Ovarian Cancer; OVARIAN CANCER, SUSCEPTIBILITY TO. Identifiers: Orphanet 145, MedGen C2676676, MONDO:0011450, OMIM 604370. Disease mechanism: loss of function.

Submission:

Evidence-based Network for the Interpretation of Germline Mutant Alleles (ENIGMA)
Classification: Pathogenic for Breast-ovarian cancer, familial, susceptibility to, 1. Last evaluated: 2016-10-18. Review status: reviewed by expert panel. Criteria: ENIGMA BRCA1/2 Classification Criteria (2015). Collection method: curation. Allele origin: germline.
Comment: Variant allele predicted to encode a truncated non-functional protein.